The following is an entry in ClinVar:

ClinVar aggregate classification (germline): Uncertain significance. Review status: criteria provided, multiple submitters, no conflicts (2 of 4 stars). 2 submissions from 2 submitters: Uncertain significance (2). Last evaluated 2025-04-14.

Conditions:
Cardiovascular phenotype. Identifiers: MedGen CN230736.
Hypertrophic cardiomyopathy. Also called: HYPERTROPHIC MYOCARDIOPATHY. Identifiers: Orphanet 217569, MedGen C0007194, MeSH D002312, MONDO:0005045, HP:0001639.

Submissions (2):

Ambry Genetics
Classification: Uncertain significance for Cardiovascular phenotype. Last evaluated: 2025-04-14. Review status: criteria provided, single submitter. Criteria: Ambry Variant Classification Scheme 2023. Collection method: clinical testing. Allele origin: germline.
Comment: The p.G747S variant (also known as c.2239G>A), located in coding exon 23 of the MYBPC3 gene, results from a G to A substitution at nucleotide position 2239. The glycine at codon 747 is replaced by serine, an amino acid with similar properties. This amino acid position is conserved. In addition, this alteration is predicted to be deleterious by in silico analysis. Based on the available evidence, the clinical significance of this variant remains unclear.

Labcorp Genetics (formerly Invitae), Labcorp
Classification: Uncertain significance for Hypertrophic cardiomyopathy. Last evaluated: 2024-10-24. Review status: criteria provided, single submitter. Criteria: Invitae Variant Classification Sherloc (09022015). Collection method: clinical testing. Allele origin: germline.
Comment: This sequence change replaces glycine, which is neutral and non-polar, with serine, which is neutral and polar, at codon 747 of the MYBPC3 protein (p.Gly747Ser). This variant is not present in population databases (gnomAD no frequency). This variant has not been reported in the literature in individuals affected with MYBPC3-related conditions. An algorithm developed to predict the effect of missense changes on protein structure and function (PolyPhen-2) suggests that this variant is likely to be disruptive. In summary, the available evidence is currently insufficient to determine the role of this variant in disease. Therefore, it has been classified as a Variant of Uncertain Significance.

NM_000256.3(MYBPC3):c.2239G>A (p.Gly747Ser)

Gene: MYBPC3 (myosin binding protein C3; minus strand). Cytogenetic location: 11p11.2.
Variant type: single nucleotide variant.
Coding change: c.2239G>A on transcript NM_000256.3 (MANE Select); coding-DNA position 2239, G replaced by A.
Protein change: p.Gly747Ser; replaces glycine 747 with serine.
Molecular consequence: missense variant.
Genome position (GRCh38, 1-based): chr11:47,338,589, C>T on the plus strand (G>A on the coding strand, the complement: MYBPC3 is on the minus strand). VCF-style: chr11-47338589-C-T. GRCh37 (hg19) VCF-style: chr11-47360140-C-T.
Other names: short protein forms G747S.
Identifiers: ClinVar variation 3723727 (VCV003723727.3).